The following is an entry in ClinVar:

ClinVar aggregate classification (germline): Uncertain significance (1 of 4 stars; one submission).

Conditions:
Cardiovascular phenotype. Identifiers: MedGen CN230736.

Submission:

Ambry Genetics
Classification: Uncertain significance for Cardiovascular phenotype. Last evaluated: 2023-09-06. Review status: criteria provided, single submitter. Criteria: Ambry Variant Classification Scheme 2023. Collection method: clinical testing. Allele origin: germline.
Comment: The p.Q64L variant (also known as c.191A>T), located in coding exon 1 of the ZNF469 gene, results from an A to T substitution at nucleotide position 191. The glutamine at codon 64 is replaced by leucine, an amino acid with dissimilar properties. This amino acid position is conserved. In addition, this alteration is predicted to be tolerated by in silico analysis. Since supporting evidence is limited at this time, the clinical significance of this alteration remains unclear.

NM_001367624.2(ZNF469):c.191A>T (p.Gln64Leu)

Gene: ZNF469 (zinc finger protein 469; plus strand). Cytogenetic location: 16q24.2.
Variant type: single nucleotide variant.
Coding change: c.191A>T on transcript NM_001367624.2 (MANE Select); coding-DNA position 191, A replaced by T.
Protein change: p.Gln64Leu; replaces glutamine 64 with leucine.
Molecular consequence: missense variant.
Genome position (GRCh38, 1-based): chr16:88,427,661, A>T. VCF-style: chr16-88427661-A-T. GRCh37 (hg19) VCF-style: chr16-88494069-A-T.
Other names: NM_001127464.1:c.191A>T; short protein forms Q64L.
Identifiers: ClinVar variation 2626139 (VCV002626139.2), dbSNP rs940206015, ClinGen allele CA397058586.
Genomic context (GRCh38, chr16:88,427,661, plus strand): 5'-CCACCAAGGGTGCCAGGGAGGCTGGCGGCCAGGCCCAGGCCATGGAGCTCCCCGAGGCCC[A>T]GCCAAGGCAGGCCAGGGACGGGGAGCTCAAGCCCCCATCCCTGAGAGGCCAGGCCCCGAG-3'
Protein context (NP_001354553.1, residues 54-74): QAQAMELPEA[Gln64Leu]PRQARDGELK